The following is an entry in ClinVar:

NM_003823.4(TNFRSF6B):c.286G>C (p.Gly96Arg)

Genes: RTEL1-TNFRSF6B (RTEL1-TNFRSF6B readthrough (NMD candidate); plus strand), TNFRSF6B (TNF receptor superfamily member 6b; plus strand). Cytogenetic location: 20q13.33.
Variant type: single nucleotide variant.
Coding change: c.286G>C on transcript NM_003823.4 (MANE Select); coding-DNA position 286, G replaced by C.
Protein change: p.Gly96Arg; replaces glycine 96 with arginine.
Molecular consequence: missense variant. On other transcripts: non-coding transcript variant (1).
Genome position (GRCh38, 1-based): chr20:63,697,053, G>C. VCF-style: chr20-63697053-G-C. GRCh37 (hg19) VCF-style: chr20-62328406-G-C.
Other names: short protein forms G96R.
Identifiers: ClinVar variation 3685775 (VCV003685775.2).
Genomic context (GRCh38, chr20:63,697,053, plus strand): 5'-CGCCACTACACGCAGTTCTGGAACTACCTAGAGCGCTGCCGCTACTGCAACGTCCTCTGC[G>C]GGGAGCGTGAGGAGGAGGCACGGGCTTGCCACGCCACCCACAACCGTGCCTGCCGCTGCC-3'
Protein context (NP_003814.1, residues 86-106): ERCRYCNVLC[Gly96Arg]EREEEARACH

ClinVar aggregate classification (germline): Uncertain significance (1 of 4 stars; one submission).

Submission:

Labcorp Genetics (formerly Invitae), Labcorp
Classification: Uncertain significance. Last evaluated: 2024-05-20. Review status: criteria provided, single submitter. Criteria: Invitae Variant Classification Sherloc (09022015). Collection method: clinical testing. Allele origin: germline.
Comment: This sequence change replaces glycine, which is neutral and non-polar, with arginine, which is basic and polar, at codon 96 of the TNFRSF6B protein (p.Gly96Arg). This variant is present in population databases (rs773781449, gnomAD 0.01%). This variant has not been reported in the literature in individuals affected with TNFRSF6B-related conditions. Algorithms developed to predict the effect of missense changes on protein structure and function output the following: SIFT: "Not Available"; PolyPhen-2: "Probably Damaging"; Align-GVGD: "Not Available". The arginine amino acid residue is found in multiple mammalian species, which suggests that this missense change does not adversely affect protein function. In summary, the available evidence is currently insufficient to determine the role of this variant in disease. Therefore, it has been classified as a Variant of Uncertain Significance.